The following is an entry in ClinVar:

NM_001111.5(ADAR):c.196C>G (p.Pro66Ala)

Gene: ADAR (adenosine deaminase RNA specific; minus strand). Cytogenetic location: 1q21.3.
Variant type: single nucleotide variant.
Coding change: c.196C>G on transcript NM_001111.5 (MANE Select); coding-DNA position 196, C replaced by G.
Protein change: p.Pro66Ala; replaces proline 66 with alanine.
Molecular consequence: missense variant. On other transcripts: 5 prime UTR variant (6).
Genome position (GRCh38, 1-based): chr1:154,602,446, G>C on the plus strand (C>G on the coding strand, the complement: ADAR is on the minus strand). VCF-style: chr1-154602446-G-C. GRCh37 (hg19) VCF-style: chr1-154574922-G-C.
Other names: c.-690C>G (NM_001025107.3, NM_001193495.2, NM_001365048.1); c.223C>G, p.Pro75Ala (NM_001365045.1); c.-554C>G (NM_001365046.1, NM_001365047.1, NM_001365049.1); c.196C>G, p.Pro66Ala (NM_015840.4, NM_015841.4); short protein forms P66A, P75A.
Identifiers: ClinVar variation 1007339 (VCV001007339.8), dbSNP rs1314856456, ClinGen allele CA342605977.

ClinVar aggregate classification (germline): Uncertain significance (1 of 4 stars; one submission).

Conditions:
Aicardi-Goutieres syndrome 6 (AGS6). Identifiers: Orphanet 51, MedGen C3539013, MONDO:0014007, OMIM 615010.
Symmetrical dyschromatosis of extremities (DSH). Also called: DYSCHROMATOSIS SYMMETRICA HEREDITARIA 1; RETICULATE ACROPIGMENTATION OF DOHI; SYMMETRIC DYSCHROMATOSIS OF THE EXTREMITIES; Dyschromatosis symmetrica hereditaria. Identifiers: Orphanet 41, MedGen C0406775, MONDO:0007483, OMIM 127400.

Allele frequency attached by ClinVar (database versions not stated): gnomAD 0.00001; gnomAD exomes 0.00001; TOPMed below 0.00001.

Submission:

Labcorp Genetics (formerly Invitae), Labcorp
Classification: Uncertain significance for Aicardi-Goutieres syndrome 6; Symmetrical dyschromatosis of extremities. Last evaluated: 2025-07-31. Review status: criteria provided, single submitter. Criteria: Invitae Variant Classification Sherloc (09022015). Collection method: clinical testing. Allele origin: germline.
Comment: This sequence change replaces proline, which is neutral and non-polar, with alanine, which is neutral and non-polar, at codon 66 of the ADAR protein (p.Pro66Ala). This variant is present in population databases (no rsID available, gnomAD 0.007%). This variant has not been reported in the literature in individuals affected with ADAR-related conditions. ClinVar contains an entry for this variant (Variation ID: 1007339). An algorithm developed to predict the effect of missense changes on protein structure and function (PolyPhen-2) suggests that this variant is likely to be tolerated. In summary, the available evidence is currently insufficient to determine the role of this variant in disease. Therefore, it has been classified as a Variant of Uncertain Significance.